The following is an entry in ClinVar:

ClinVar aggregate classification (germline): Pathogenic. Review status: criteria provided, multiple submitters, no conflicts (2 of 4 stars). 2 submissions from 2 submitters: Pathogenic (2). Last evaluated 2024-05-03.

Conditions:
Hereditary cancer-predisposing syndrome. Also called: Hereditary neoplastic syndrome; Neoplastic Syndromes, Hereditary; Tumor predisposition; Hereditary Cancer Syndrome. Identifiers: Orphanet 140162, MedGen C0027672, MeSH D009386, MONDO:0015356.

Submissions (2):

Ambry Genetics
Classification: Pathogenic for Hereditary cancer-predisposing syndrome. Last evaluated: 2024-05-03. Review status: criteria provided, single submitter. Criteria: Ambry Variant Classification Scheme 2023. Collection method: clinical testing. Allele origin: germline.
Comment: The p.E1120* pathogenic mutation (also known as c.3358G>T), located in coding exon 10 of the BRCA2 gene, results from a G to T substitution at nucleotide position 3358. This changes the amino acid from a glutamic acid to a stop codon within coding exon 10. This variant is considered to be rare based on population cohorts in the Genome Aggregation Database (gnomAD). This alteration is expected to result in loss of function by premature protein truncation or nonsense-mediated mRNA decay. As such, this alteration is interpreted as a disease-causing mutation.

Institute for Clinical Genetics, University Hospital TU Dresden, University Hospital TU Dresden
Classification: Pathogenic. Last evaluated: 2021-11-03. Review status: criteria provided, single submitter. Criteria: ACMG Guidelines, 2015. Collection method: clinical testing. Allele origin: germline.

NM_000059.4(BRCA2):c.3358G>T (p.Glu1120Ter)

Gene: BRCA2 (BRCA2 DNA repair associated; plus strand). Cytogenetic location: 13q13.1.
Variant type: single nucleotide variant.
Coding change: c.3358G>T on transcript NM_000059.4 (MANE Select); coding-DNA position 3358, G replaced by T.
Protein change: p.Glu1120Ter; replaces glutamic acid 1120 with a stop codon.
Molecular consequence: nonsense.
Genome position (GRCh38, 1-based): chr13:32,337,713, G>T. VCF-style: chr13-32337713-G-T. GRCh37 (hg19) VCF-style: chr13-32911850-G-T.
Other names: short protein forms E1120*.
Identifiers: ClinVar variation 1319579 (VCV001319579.5), dbSNP rs587778124, ClinGen allele CA387776374.